The following is an entry in ClinVar:

NM_004064.5(CDKN1B):c.172C>G (p.Arg58Gly)

Gene: CDKN1B (cyclin dependent kinase inhibitor 1B; plus strand). Cytogenetic location: 12p13.1.
Variant type: single nucleotide variant.
Coding change: c.172C>G on transcript NM_004064.5 (MANE Select); coding-DNA position 172, C replaced by G.
Protein change: p.Arg58Gly; replaces arginine 58 with glycine.
Molecular consequence: missense variant.
Genome position (GRCh38, 1-based): chr12:12,718,011, C>G. VCF-style: chr12-12718011-C-G. GRCh37 (hg19) VCF-style: chr12-12870945-C-G.
Other names: short protein forms R58G.
Identifiers: ClinVar variation 3223673 (VCV003223673.1), dbSNP rs1349254230, ClinGen allele CA383969197.

ClinVar aggregate classification (germline): Uncertain significance (1 of 4 stars; one submission).

Conditions:
Hereditary cancer-predisposing syndrome. Also called: Tumor predisposition; Hereditary neoplastic syndrome; Hereditary Cancer Syndrome; Neoplastic Syndromes, Hereditary. Identifiers: Orphanet 140162, MedGen C0027672, MeSH D009386, MONDO:0015356.

Submission:

Ambry Genetics
Classification: Uncertain significance for Hereditary cancer-predisposing syndrome. Last evaluated: 2024-03-06. Review status: criteria provided, single submitter. Criteria: Ambry Variant Classification Scheme 2023. Collection method: clinical testing. Allele origin: germline.
Comment: The p.R58G variant (also known as c.172C>G), located in coding exon 1 of the CDKN1B gene, results from a C to G substitution at nucleotide position 172. The arginine at codon 58 is replaced by glycine, an amino acid with dissimilar properties. This amino acid position is conserved. In addition, the in silico prediction for this alteration is inconclusive. Based on the available evidence, the clinical significance of this alteration remains unclear.